The following is an entry in ClinVar:

ClinVar aggregate classification (germline): Uncertain significance. Review status: criteria provided, multiple submitters, no conflicts (2 of 4 stars). 2 submissions from 2 submitters: Uncertain significance (2). Last evaluated 2024-04-04.

Conditions:
Paroxysmal nonkinesigenic dyskinesia. Also called: Paroxysmal non-kinesigenic dyskinesia. Identifiers: Orphanet 98810, MedGen C1869117, MONDO:0700088.
Paroxysmal nonkinesigenic dyskinesia 1 (PNKD1). Also called: Familial Paroxysmal Nonkinesigenic Dyskinesia; DYSTONIA 8; PAROXYSMAL DYSTONIC CHOREOATHETOSIS; PxMD-PNKD; Nonkinesigenic choreoathetosis; Familial paroxysmal choreoathetosis. Identifiers: Orphanet 98810, MedGen C4551506, MONDO:0700089, OMIM 118800, MONDO:0007326.

Allele frequency attached by ClinVar (database versions not stated): gnomAD exomes below 0.00001.
gnomAD v4.1: 1 of 1,588,434 alleles (0.000063%); highest among the groups gnomAD compares: African/African-American, 0.0013%; no homozygotes.

Submissions (2):

Genomic Medicine Center of Excellence, King Faisal Specialist Hospital and Research Centre
Classification: Uncertain significance for Paroxysmal nonkinesigenic dyskinesia 1. Last evaluated: 2024-04-04. Review status: criteria provided, single submitter. Criteria: ACMG Guidelines, 2015. Collection method: clinical testing. Allele origin: germline.

Labcorp Genetics (formerly Invitae), Labcorp
Classification: Uncertain significance for Paroxysmal nonkinesigenic dyskinesia. Last evaluated: 2022-11-12. Review status: criteria provided, single submitter. Criteria: Invitae Variant Classification Sherloc (09022015). Collection method: clinical testing. Allele origin: germline.
Comment: In summary, the available evidence is currently insufficient to determine the role of this variant in disease. Therefore, it has been classified as a Variant of Uncertain Significance. Variants that disrupt the consensus splice site are a relatively common cause of aberrant splicing (PMID: 17576681, 9536098). Algorithms developed to predict the effect of sequence changes on RNA splicing suggest that this variant may disrupt the consensus splice site. This sequence change falls in intron 9 of the PNKD gene. It does not directly change the encoded amino acid sequence of the PNKD protein. It affects a nucleotide within the consensus splice site. This variant is not present in population databases (gnomAD no frequency). This variant has not been reported in the literature in individuals affected with PNKD-related conditions.

Literature cited by the submitters: PubMed 17576681 (cited by Labcorp Genetics (formerly Invitae), Labcorp); PubMed 9536098 (cited by Labcorp Genetics (formerly Invitae), Labcorp).

NM_015488.5(PNKD):c.984+2T>G

Genes: PNKD (PNKD metallo-beta-lactamase domain containing; plus strand), CATIP-AS2 (CATIP antisense RNA 2; minus strand). Cytogenetic location: 2q35.
Variant type: single nucleotide variant.
Coding change: c.984+2T>G on transcript NM_015488.5 (MANE Select); the canonical splice donor site of the intron after coding-DNA position 984, T replaced by G.
Molecular consequence: splice donor variant.
Genome position (GRCh38, 1-based): chr2:218,344,572, T>G. VCF-style: chr2-218344572-T-G. GRCh37 (hg19) VCF-style: chr2-219209295-T-G.
Other names: c.912+2T>G (NM_022572.4).
Identifiers: ClinVar variation 1915237 (VCV001915237.6), dbSNP rs1574723573, ClinGen allele CA350543061.